The following is an entry in ClinVar:

ClinVar aggregate classification (germline): Pathogenic (1 of 4 stars; one submission).

Conditions:
Biotin-responsive basal ganglia disease (BTBGD). Also called: Thiamine metabolism dysfunction syndrome 2 (biotin- or thiamine-responsive encephalopathy type 2); Thiamine metabolism dysfunction syndrome type 2; Thiamine Transporter-2 Deficiency; thiamine-responsive encephalopathy; THIAMINE METABOLISM DYSFUNCTION SYNDROME 2 (BIOTIN- AND THIAMINE-RESPONSIVE TYPE). Identifiers: Orphanet 199348, Orphanet 65284, MedGen C1843807, MONDO:0011841, OMIM 607483.

Submission:

Myriad Genetics, Inc.
Classification: Pathogenic for Biotin-responsive basal ganglia disease. Last evaluated: 2025-09-07. Review status: criteria provided, single submitter. Criteria: Myriad Autosomal Dominant, Autosomal Recessive and X-Linked Classification Criteria (2023). Collection method: clinical testing. Allele origin: unknown.
Comment: NM_025243.3(SLC19A3):c.191_192insA(V65Gfs*160) is expected to be pathogenic in the context of biotin-thiamine-responsive basal ganglia disease. This variant is predicted to lead to an abnormal or absent protein product due to the creation of a premature termination codon in SLC19A3, a gene where loss-of-function variants are known to be pathogenic. Please note: this variant was assessed in the context of healthy population screening.

NM_025243.4(SLC19A3):c.191_192insA (p.Val65fs)

Gene: SLC19A3 (solute carrier family 19 member 3; minus strand). Cytogenetic location: 2q36.3.
Variant type: Insertion.
Coding change: c.191_192insA on transcript NM_025243.4 (MANE Select); coding-DNA positions 191 to 192, A inserted.
Protein change: p.Val65fs; shifts the reading frame from valine 65.
Molecular consequence: frameshift variant.
Genome position: GRCh38 VCF-style: chr2-227699523-C-CT. GRCh37 (hg19) VCF-style: chr2-228564239-C-CT.
Other names: c.191_192insA, p.Val65fs (NM_001371411.1, NM_001371412.1); c.179_180insA, p.Val61fs (NM_001371413.1, NM_001371414.1); short protein forms V61fs, V65fs.
Identifiers: ClinVar variation 5014950 (VCV005014950.1).